The following is an entry in ClinVar:

NM_000153.4(GALC):c.1031C>A (p.Ser344Ter)

Gene: GALC (galactosylceramidase; minus strand). Cytogenetic location: 14q31.3.
Variant type: single nucleotide variant.
Coding change: c.1031C>A on transcript NM_000153.4 (MANE Select); coding-DNA position 1031, C replaced by A.
Protein change: p.Ser344Ter; replaces serine 344 with a stop codon.
Molecular consequence: nonsense.
Genome position (GRCh38, 1-based): chr14:87,965,507, G>T on the plus strand (C>A on the coding strand, the complement: GALC is on the minus strand). VCF-style: chr14-87965507-G-T. GRCh37 (hg19) VCF-style: chr14-88431851-G-T.
Other names: c.962C>A, p.Ser321Ter (NM_001201401.2); c.953C>A, p.Ser318Ter (NM_001201402.2); short protein forms S318*, S321*, S344*.
Identifiers: ClinVar variation 1725951 (VCV001725951.2), dbSNP rs1555381559, ClinGen allele CA390747400.

ClinVar aggregate classification (germline): Likely pathogenic (1 of 4 stars; one submission).

Conditions:
Galactosylceramide beta-galactosidase deficiency. Also called: GALACTOCEREBROSIDASE DEFICIENCY; GALC DEFICIENCY; GLOBOID CELL LEUKOENCEPHALOPATHY; Leukodystrophy, Globoid Cell; Krabbe Disease. Identifiers: Orphanet 487, MedGen C0023521, MONDO:0009499, OMIM 245200.

Submission:

Myriad Genetics, Inc.
Classification: Likely pathogenic for Galactosylceramide beta-galactosidase deficiency. Last evaluated: 2022-04-23. Review status: criteria provided, single submitter. Criteria: Myriad Women's Health Autosomal Recessive and X-Linked Classification Criteria (2021). Collection method: clinical testing. Allele origin: unknown.
Comment: NM_000153.3(GALC):c.1031C>A(S344*) is expected to be pathogenic in the context of Krabbe disease. This variant is predicted to lead to an abnormal or absent protein product due to the creation of a premature termination codon in GALC, a gene where loss-of-function variants are known to be pathogenic. Please note: this variant was assessed in the context of healthy population screening.